The following is an entry in ClinVar:

NM_002473.6(MYH9):c.4196A>G (p.Gln1399Arg)

Gene: MYH9 (myosin heavy chain 9; minus strand). Cytogenetic location: 22q12.3.
Variant type: single nucleotide variant.
Coding change: c.4196A>G on transcript NM_002473.6 (MANE Select); coding-DNA position 4196, A replaced by G.
Protein change: p.Gln1399Arg; replaces glutamine 1399 with arginine.
Molecular consequence: missense variant.
Genome position (GRCh38, 1-based): chr22:36,292,134, T>C on the plus strand (A>G on the coding strand, the complement: MYH9 is on the minus strand). VCF-style: chr22-36292134-T-C. GRCh37 (hg19) VCF-style: chr22-36688180-T-C.
Other names: short protein forms Q1399R.
Identifiers: ClinVar variation 1388195 (VCV001388195.8), dbSNP rs2146335439, ClinGen allele CA411382869.
Genomic context (GRCh38, chr22:36,292,134, plus strand): 5'-TGCAGCCGCGTCTTGGTCTTCTCCAGCTTGTCGTAGGCGGCCACCTTCTCCTCGTGCCGC[T>C]GGCTCAGGCCCTCCAGGTCCTTCTGGAGCTTCCTCTTCACCTCCTCAGCAGTTTCCAGGC-3'
Protein context (NP_002464.1, residues 1389-1409): KLQKDLEGLS[Gln1399Arg]RHEEKVAAYD

ClinVar aggregate classification (germline): Uncertain significance (1 of 4 stars; one submission).

Submission:

Labcorp Genetics (formerly Invitae), Labcorp
Classification: Uncertain significance. Last evaluated: 2021-04-16. Review status: criteria provided, single submitter. Criteria: Invitae Variant Classification Sherloc (09022015). Collection method: clinical testing. Allele origin: germline.
Comment: This sequence change replaces glutamine with arginine at codon 1399 of the MYH9 protein (p.Gln1399Arg). The glutamine residue is moderately conserved and there is a small physicochemical difference between glutamine and arginine. This variant is not present in population databases (ExAC no frequency). This variant has not been reported in the literature in individuals with MYH9-related conditions. Algorithms developed to predict the effect of missense changes on protein structure and function (SIFT, PolyPhen-2, Align-GVGD) all suggest that this variant is likely to be tolerated, but these predictions have not been confirmed by published functional studies and their clinical significance is uncertain. In summary, the available evidence is currently insufficient to determine the role of this variant in disease. Therefore, it has been classified as a Variant of Uncertain Significance.